The following is an entry in ClinVar:

NM_005045.4(RELN):c.8171A>T (p.Asp2724Val)

Genes: SLC26A5-AS1 (SLC26A5 antisense RNA 1; plus strand), RELN (reelin; minus strand). Cytogenetic location: 7q22.1.
Variant type: single nucleotide variant.
Coding change: c.8171A>T on transcript NM_005045.4 (MANE Select); coding-DNA position 8171, A replaced by T.
Protein change: p.Asp2724Val; replaces aspartic acid 2724 with valine.
Molecular consequence: missense variant.
Genome position (GRCh38, 1-based): chr7:103,510,954, T>A on the plus strand (A>T on the coding strand, the complement: RELN is on the minus strand). VCF-style: chr7-103510954-T-A. GRCh37 (hg19) VCF-style: chr7-103151401-T-A.
Other names: c.8171A>T, p.Asp2724Val (NM_173054.3); short protein forms D2724V.
Identifiers: ClinVar variation 1919239 (VCV001919239.5), dbSNP rs2484732435, ClinGen allele CA368761613.

ClinVar aggregate classification (germline): Uncertain significance (1 of 4 stars; one submission).

Conditions:
Familial temporal lobe epilepsy 7. Identifiers: Orphanet 101046, MedGen C4225327, MONDO:0014639, OMIM 616436.
Norman-Roberts syndrome (LIS2). Also called: Lissencephaly 2 (Norman-Roberts type). Identifiers: Orphanet 89844, MedGen C0796089, MONDO:0009760, OMIM 257320.

Submission:

Labcorp Genetics (formerly Invitae), Labcorp
Classification: Uncertain significance for Familial temporal lobe epilepsy 7; Norman-Roberts syndrome. Last evaluated: 2022-10-13. Review status: criteria provided, single submitter. Criteria: Invitae Variant Classification Sherloc (09022015). Collection method: clinical testing. Allele origin: germline.
Comment: In summary, the available evidence is currently insufficient to determine the role of this variant in disease. Therefore, it has been classified as a Variant of Uncertain Significance. Advanced modeling of protein sequence and biophysical properties (such as structural, functional, and spatial information, amino acid conservation, physicochemical variation, residue mobility, and thermodynamic stability) performed at Invitae indicates that this missense variant is not expected to disrupt RELN protein function. This variant has not been reported in the literature in individuals affected with RELN-related conditions. This variant is not present in population databases (gnomAD no frequency). This sequence change replaces aspartic acid, which is acidic and polar, with valine, which is neutral and non-polar, at codon 2724 of the RELN protein (p.Asp2724Val).